The following is an entry in ClinVar:

ClinVar aggregate classification (germline): Pathogenic/Likely pathogenic. Review status: criteria provided, multiple submitters, no conflicts (2 of 4 stars). 3 submissions from 3 submitters: Pathogenic (1); Likely pathogenic (1). 1 of the submissions does not count toward it. Last evaluated 2020-06-30.

Conditions:
Propionic acidemia (PROP). Also called: GLYCINEMIA, KETOTIC; HYPERGLYCINEMIA WITH KETOACIDOSIS AND LEUKOPENIA; KETOTIC HYPERGLYCINEMIA. Identifiers: Orphanet 35, MedGen C0268579, MONDO:0011628, OMIM 606054, HP:0003571.

Submissions (3):

Labcorp Genetics (formerly Invitae), Labcorp
Classification: Likely pathogenic for Propionic acidemia. Last evaluated: 2020-06-30. Review status: criteria provided, single submitter. Criteria: Invitae Variant Classification Sherloc (09022015). Collection method: clinical testing. Allele origin: germline.
Comment: In summary, the currently available evidence indicates that the variant is pathogenic, but additional data are needed to prove that conclusively. Therefore, this variant has been classified as Likely Pathogenic. Donor and acceptor splice site variants typically lead to a loss of protein function (PMID: 16199547), and loss-of-function variants in PCCB are known to be pathogenic (PMID: 15464417). Algorithms developed to predict the effect of sequence changes on RNA splicing suggest that this variant may disrupt the consensus splice site, but this prediction has not been confirmed by published transcriptional studies. This variant has been observed in individual(s) with propionic acidemia (PMID: 27227689). ClinVar contains an entry for this variant (Variation ID: 217892). This variant is not present in population databases (ExAC no frequency). This sequence change affects a donor splice site in intron 3 of the PCCB gene. It is expected to disrupt RNA splicing and likely results in an absent or disrupted protein product.

Institute of Medical Genetics and Genomics, Sir Ganga Ram Hospital
Classification: Pathogenic for Propionic Acidemia. Review status: criteria provided, single submitter. Criteria: Gupta et al. (Genet Test Mol Biomarkers 2016). Collection method: research. Allele origin: germline. Affected: yes. Observed: 1 variant allele. Study: ORGANIC ACIDURIAS.
Comment: Splice site mutation

Counsyl
Classification: Likely pathogenic for Propionic acidemia. Last evaluated: 2018-02-07. Review status: no assertion criteria provided. Collection method: clinical testing. Allele origin: unknown. Not counted in ClinVar's aggregate classification.

Literature cited by the submitters: PubMed 16199547 (cited by Labcorp Genetics (formerly Invitae), Labcorp); PubMed 15464417 (cited by Labcorp Genetics (formerly Invitae), Labcorp); PubMed 27227689 (cited by Labcorp Genetics (formerly Invitae), Labcorp and Counsyl).

NM_000532.5(PCCB):c.372+2T>C

Gene: PCCB (propionyl-CoA carboxylase subunit beta; plus strand). Cytogenetic location: 3q22.3.
Variant type: single nucleotide variant.
Coding change: c.372+2T>C on transcript NM_000532.5 (MANE Select); the canonical splice donor site of the intron after coding-DNA position 372, T replaced by C.
Molecular consequence: splice donor variant.
Genome position (GRCh38, 1-based): chr3:136,256,625, T>C. VCF-style: chr3-136256625-T-C. GRCh37 (hg19) VCF-style: chr3-135975467-T-C.
Other names: c.372+2T>C (NM_001178014.2).
Identifiers: ClinVar variation 217892 (VCV000217892.9), dbSNP rs879253814, ClinGen allele CA10575809.